The following is an entry in ClinVar:

ClinVar aggregate classification (germline): Pathogenic (1 of 4 stars; one submission).

Conditions:
Familial focal epilepsy with variable foci (FPEVF). Identifiers: Orphanet 98820, MedGen C1858477, MONDO:0020310.

Submission:

Labcorp Genetics (formerly Invitae), Labcorp
Classification: Pathogenic for Familial focal epilepsy with variable foci. Last evaluated: 2023-10-10. Review status: criteria provided, single submitter. Criteria: Invitae Variant Classification Sherloc (09022015). Collection method: clinical testing. Allele origin: germline.
Comment: This sequence change creates a premature translational stop signal (p.Tyr255*) in the DEPDC5 gene. It is expected to result in an absent or disrupted protein product. Loss-of-function variants in DEPDC5 are known to be pathogenic (PMID: 23542697, 23542701). This variant is not present in population databases (gnomAD no frequency). This variant has not been reported in the literature in individuals affected with DEPDC5-related conditions. For these reasons, this variant has been classified as Pathogenic.

Literature cited by the submitters: PubMed 23542697; PubMed 23542701.

NM_001242896.3(DEPDC5):c.765C>G (p.Tyr255Ter)

Gene: DEPDC5 (DEP domain containing 5, GATOR1 subcomplex subunit; plus strand). Cytogenetic location: 22q12.2.
Variant type: single nucleotide variant.
Coding change: c.765C>G on transcript NM_001242896.3 (MANE Select); coding-DNA position 765, C replaced by G.
Protein change: p.Tyr255Ter; replaces tyrosine 255 with a stop codon.
Molecular consequence: nonsense. On other transcripts: non-coding transcript variant (5).
Genome position (GRCh38, 1-based): chr22:31,792,815, C>G. VCF-style: chr22-31792815-C-G. GRCh37 (hg19) VCF-style: chr22-32188801-C-G.
Other names: c.765C>G, p.Tyr255Ter (NM_001007188.4, NM_001136029.4, NM_001242897.2 and 7 more transcripts); c.681C>G, p.Tyr227Ter (NM_001369901.1, NM_001369902.1); short protein forms Y227*, Y255*.
Identifiers: ClinVar variation 2842678 (VCV002842678.3), dbSNP rs2518623423, ClinGen allele CA411289484.